The following is an entry in ClinVar:

ClinVar aggregate classification (germline): Uncertain significance (1 of 4 stars; one submission).

Conditions:
Severe combined immunodeficiency due to DCLRE1C deficiency (RS-SCID). Also called: SCID, AUTOSOMAL RECESSIVE, T CELL-NEGATIVE, B CELL-NEGATIVE, NK CELL-POSITIVE, WITH SENSITIVITY TO IONIZING RADIATION. Identifiers: Orphanet 275, MedGen C1865371, MONDO:0011225, OMIM 602450.

Allele frequency attached by ClinVar (database versions not stated): gnomAD exomes 0.00003; ESP Exome Variant Server 0.00008; ExAC 0.00003.

Submission:

Labcorp Genetics (formerly Invitae), Labcorp
Classification: Uncertain significance for Athabaskan severe combined immunodeficiency. Last evaluated: 2022-05-05. Review status: criteria provided, single submitter. Criteria: Invitae Variant Classification Sherloc (09022015). Collection method: clinical testing. Allele origin: germline.
Comment: This sequence change replaces threonine, which is neutral and polar, with arginine, which is basic and polar, at codon 628 of the DCLRE1C protein (p.Thr628Arg). This variant is present in population databases (rs140306936, gnomAD 0.006%). This variant has not been reported in the literature in individuals affected with DCLRE1C-related conditions. Algorithms developed to predict the effect of missense changes on protein structure and function (SIFT, PolyPhen-2, Align-GVGD) all suggest that this variant is likely to be tolerated. In summary, the available evidence is currently insufficient to determine the role of this variant in disease. Therefore, it has been classified as a Variant of Uncertain Significance.

NM_001033855.3(DCLRE1C):c.1883C>G (p.Thr628Arg)

Gene: DCLRE1C (DNA cross-link repair 1C; minus strand). Cytogenetic location: 10p13.
Variant type: single nucleotide variant.
Coding change: c.1883C>G on transcript NM_001033855.3 (MANE Select); coding-DNA position 1883, C replaced by G.
Protein change: p.Thr628Arg; replaces threonine 628 with arginine.
Molecular consequence: missense variant. On other transcripts: non-coding transcript variant (3), intron variant (3).
Genome position (GRCh38, 1-based): chr10:14,908,604, G>C on the plus strand (C>G on the coding strand, the complement: DCLRE1C is on the minus strand). VCF-style: chr10-14908604-G-C. GRCh37 (hg19) VCF-style: chr10-14950603-G-C.
Other names: c.1523C>G, p.Thr508Arg (NM_001033857.3, NM_001033858.3, NM_001289077.2 and 1 more transcripts); c.1538C>G, p.Thr513Arg (NM_001289076.2, NM_001289078.2, NM_022487.4); c.1437+101C>G (NM_001350966.2); c.1782+101C>G (NM_001350965.2); c.1422+101C>G (NM_001350967.2); short protein forms T508R, T513R, T628R.
Identifiers: ClinVar variation 1426922 (VCV001426922.5), dbSNP rs140306936, ClinGen allele CA5416383.